The following is an entry in ClinVar:

ClinVar aggregate classification (germline): Uncertain significance (1 of 4 stars; one submission).

Submission:

GeneDx
Classification: Uncertain significance. Last evaluated: 2024-08-22. Review status: criteria provided, single submitter. Criteria: GeneDx Variant Classification Process June 2021. Collection method: clinical testing. Allele origin: germline. Affected: yes.
Comment: Not observed at significant frequency in large population cohorts (gnomAD); In silico analysis supports that this missense variant has a deleterious effect on protein structure/function; Has not been previously published as pathogenic or benign to our knowledge

NM_006744.4(RBP4):c.452A>C (p.Tyr151Ser)

Gene: RBP4 (retinol binding protein 4; minus strand). Cytogenetic location: 10q23.33.
Variant type: single nucleotide variant.
Coding change: c.452A>C on transcript NM_006744.4 (MANE Select); coding-DNA position 452, A replaced by C.
Protein change: p.Tyr151Ser; replaces tyrosine 151 with serine.
Molecular consequence: missense variant.
Genome position (GRCh38, 1-based): chr10:93,593,939, T>G on the plus strand (A>C on the coding strand, the complement: RBP4 is on the minus strand). VCF-style: chr10-93593939-T-G. GRCh37 (hg19) VCF-style: chr10-95353696-T-G.
Other names: c.452A>C, p.Tyr151Ser (NM_001323517.1); c.446A>C, p.Tyr149Ser (NM_001323518.2); short protein forms Y149S, Y151S.
Identifiers: ClinVar variation 3764367 (VCV003764367.1).